The following is an entry in ClinVar:

ClinVar aggregate classification (germline): Likely benign (1 of 4 stars; one submission).

Allele frequency attached by ClinVar (database versions not stated): gnomAD exomes 0.00007; gnomAD 0.00054; TOPMed 0.00056.
gnomAD v4.1: 102 of 398,400 alleles (0.026%); highest among the groups gnomAD compares: African/African-American, 0.18%; 1 homozygote.

Submission:

CeGaT Center for Human Genetics Tuebingen
Classification: Likely benign. Last evaluated: 2022-11-01. Review status: criteria provided, single submitter. Criteria: CeGaT Center For Human Genetics Tuebingen Variant Classification Criteria Version 2. Collection method: clinical testing. Allele origin: germline. Affected: yes. Observed: 1 variant allele.
Comment: KCNQ1OT1: BS1

NM_000218.3(KCNQ1):c.1394-13142A>G

Genes: KCNQ1 (potassium voltage-gated channel subfamily Q member 1; plus strand), KCNQ1OT1 (KCNQ1 opposite strand/antisense transcript 1; minus strand). Cytogenetic location: 11p15.5.
Variant type: single nucleotide variant.
Coding change: c.1394-13142A>G on transcript NM_000218.3 (MANE Select); 13142 bases into the intron before coding-DNA position 1394, A replaced by G.
Molecular consequence: intron variant. On other transcripts: non-coding transcript variant (1).
Genome position (GRCh38, 1-based): chr11:2,648,819, A>G. VCF-style: chr11-2648819-A-G. GRCh37 (hg19) VCF-style: chr11-2670049-A-G.
Other names: c.1124-13142A>G (NM_001406837.1); c.1298-13142A>G (NM_001406836.1); c.854-13142A>G (NM_001406838.1); c.1013-13142A>G (NM_181798.2).
Identifiers: ClinVar variation 2641430 (VCV002641430.24), dbSNP rs544033655, ClinGen allele CA216161057.
Genomic context (GRCh38, chr11:2,648,819, plus strand): 5'-TTGATATTTTTCCATCCAAATGAATTGTCCAATGCTGAGTATGAAATGTTGCCATCCCTA[A>G]CTATTATTGTATTGGGGTCTATCTCTTTAGCACTAATAATATTTGTTTAATATACCTGGG-3'